The following is an entry in ClinVar:

NM_002439.5(MSH3):c.3376T>G (p.Phe1126Val)

Gene: MSH3 (mutS homolog 3; plus strand). Cytogenetic location: 5q14.1.
Variant type: single nucleotide variant.
Coding change: c.3376T>G on transcript NM_002439.5 (MANE Select); coding-DNA position 3376, T replaced by G.
Protein change: p.Phe1126Val; replaces phenylalanine 1126 with valine.
Molecular consequence: missense variant.
Genome position (GRCh38, 1-based): chr5:80,875,824, T>G. VCF-style: chr5-80875824-T-G. GRCh37 (hg19) VCF-style: chr5-80171643-T-G.
Other names: short protein forms F1126V.
Identifiers: ClinVar variation 1730772 (VCV001730772.2), dbSNP rs2478809225, ClinGen allele CA360347432.

ClinVar aggregate classification (germline): Uncertain significance (1 of 4 stars; one submission).

Conditions:
Hereditary cancer-predisposing syndrome. Also called: Neoplastic Syndromes, Hereditary; Tumor predisposition; Hereditary Cancer Syndrome; Hereditary neoplastic syndrome. Identifiers: Orphanet 140162, MedGen C0027672, MeSH D009386, MONDO:0015356.

Submission:

Ambry Genetics
Classification: Uncertain significance for Hereditary cancer-predisposing syndrome. Last evaluated: 2022-04-01. Review status: criteria provided, single submitter. Criteria: Ambry Variant Classification Scheme 2023. Collection method: clinical testing. Allele origin: germline.
Comment: The p.F1126V variant (also known as c.3376T>G), located in coding exon 24 of the MSH3 gene, results from a T to G substitution at nucleotide position 3376. The phenylalanine at codon 1126 is replaced by valine, an amino acid with highly similar properties. This amino acid position is conserved. In addition, this alteration is predicted to be tolerated by in silico analysis. Since supporting evidence is limited at this time, the clinical significance of this alteration remains unclear.